The following is an entry in ClinVar:

ClinVar aggregate classification (germline): Uncertain significance. Review status: criteria provided, multiple submitters, no conflicts (2 of 4 stars). 2 submissions from 2 submitters: Uncertain significance (2). Last evaluated 2026-01-21.

Conditions:
POLG-related disorder. Also called: POLG-Related Spectrum Disorders; POLG-related condition; POLG-Related Disorders. Identifiers: MedGen C4763519.

Submissions (2):

PreventionGenetics, part of Exact Sciences
Classification: Uncertain significance for POLG-related condition. Last evaluated: 2026-01-21. Review status: criteria provided, single submitter. Criteria: ACMG Guidelines, 2015. Collection method: clinical testing. Allele origin: germline.
Comment: The POLG c.132_158del27 variant is predicted to result in an in-frame deletion (p.Gln47_Gln55del). To our knowledge, this variant has not been reported in the literature or in a large population database (gnomAD), indicating this variant is rare. At this time, the clinical significance of this variant is uncertain due to the absence of conclusive functional and genetic evidence.

GeneDx
Classification: Uncertain significance. Last evaluated: 2019-06-05. Review status: criteria provided, single submitter. Criteria: GeneDx Variant Classification Process June 2021. Collection method: clinical testing. Allele origin: germline. Affected: yes.
Comment: Not observed in large population cohorts (Lek et al., 2016); Has not been previously published as pathogenic or benign to our knowledge

NM_002693.3(POLG):c.126GCA[2] (p.Gln47_Gln55del)

Genes: POLG (DNA polymerase gamma, catalytic subunit; minus strand), POLGARF (POLG alternative reading frame; minus strand). Cytogenetic location: 15q26.1.
Variant type: Microsatellite.
Coding change: c.126GCA[2] on transcript NM_002693.3 (MANE Select); two copies in a row of the 3-base unit GCA starting at c.126; the reference has 11 copies in a row; nine copies, 27 bases deleted.
Protein change: p.Gln47_Gln55del.
Molecular consequence: inframe deletion.
Genome position (GRCh38, 1-based): chr15:89,333,597-89,333,623, TGCTGCTGCTGCTGCTGCTGCTGCTGC deleted on the plus strand (GCAGCAGCAGCAGCAGCAGCAGCAGCA on the coding strand, the reverse complement: POLG is on the minus strand); deleting any 27 consecutive bases within chr15:89,333,597-89,333,629 gives the same sequence; the position shown is the placement nearest the transcript's 3' end. VCF-style (leftmost placement, unchanged base first): chr15-89333596-TTGCTGCTGCTGCTGCTGCTGCTGCTGC-T. GRCh37 (hg19) VCF-style: chr15-89876827-TTGCTGCTGCTGCTGCTGCTGCTGCTGC-T.
Other names: c.132_158del27 (NM_002693.2); c.126GCA[2], p.Gln47_Gln55del (NM_001126131.2).
Identifiers: ClinVar variation 1306135 (VCV001306135.3), dbSNP rs41550117, ClinGen allele CA2580612702.